The following is an entry in ClinVar:

NM_198578.4(LRRK2):c.1597G>T (p.Val533Phe)

Gene: LRRK2 (leucine rich repeat kinase 2; plus strand). Cytogenetic location: 12q12.
Variant type: single nucleotide variant.
Coding change: c.1597G>T on transcript NM_198578.4 (MANE Select); coding-DNA position 1597, G replaced by T.
Protein change: p.Val533Phe; replaces valine 533 with phenylalanine.
Molecular consequence: missense variant.
Genome position (GRCh38, 1-based): chr12:40,263,842, G>T. VCF-style: chr12-40263842-G-T. GRCh37 (hg19) VCF-style: chr12-40657644-G-T.
Other names: short protein forms V533F.
Identifiers: ClinVar variation 3291959 (VCV003291959.1).

ClinVar aggregate classification (germline): Uncertain significance (1 of 4 stars; one submission).

Conditions:
Inborn genetic diseases. Identifiers: MedGen C0950123, MeSH D030342.

Submission:

Ambry Genetics
Classification: Uncertain significance for Inborn genetic diseases. Last evaluated: 2024-04-14. Review status: criteria provided, single submitter. Criteria: Ambry Variant Classification Scheme 2023. Collection method: clinical testing. Allele origin: germline.
Comment: The p.V533F variant (also known as c.1597G>T), located in coding exon 14 of the LRRK2 gene, results from a G to T substitution at nucleotide position 1597. The valine at codon 533 is replaced by phenylalanine, an amino acid with highly similar properties. This amino acid position is conserved. In addition, this alteration is predicted to be tolerated by in silico analysis. Based on the available evidence, the clinical significance of this variant remains unclear.